The following is an entry in ClinVar:

ClinVar aggregate classification (germline): Pathogenic. Review status: criteria provided, multiple submitters, no conflicts (2 of 4 stars). 4 submissions from 4 submitters: Pathogenic (4). Last evaluated 2025-11-18.

Conditions:
PMM2-congenital disorder of glycosylation. Also called: PMM2-CDG; JAEKEN SYNDROME; PHOSPHOMANNOMUTASE 2 DEFICIENCY; CARBOHYDRATE-DEFICIENT GLYCOPROTEIN SYNDROME, TYPE Ia; Congenital disorder of glycosylation, type Ia; CDG Ia. Identifiers: Orphanet 79318, MedGen C0349653, MONDO:0008907, OMIM 212065.

Submissions (4):

Natera, Inc.
Classification: Pathogenic for Congenital disorder of glycosylation type 1a. Last evaluated: 2025-11-18. Review status: criteria provided, single submitter. Criteria: Natera Variant Classification Schema (03/2026). Collection method: clinical testing. Allele origin: germline.
Comment: The c.243_244del variant in PMM2 is a frameshift variant predicted to shift the reading frame beginning at codon 82 and leads to a stop codon 2 codons downstream. This variant is expected to result in nonsense mediated decay, truncation, or a dysfunctional protein product. This variant is rare in the general population with a frequency below the threshold expected for the associated phenotype(s). This variant has been observed in one or more individuals affected with the associated recessive disease, as either homozygous or compound heterozygous with a second variant (PMID: 31727010). Additionally, this variant has been observed to segregate in affected family members (PMID: 31727010). Given the available evidence, this variant is classified as Pathogenic.

Fulgent Genetics
Classification: Pathogenic for PMM2-congenital disorder of glycosylation. Last evaluated: 2024-03-26. Review status: criteria provided, single submitter. Criteria: ACMG Guidelines, 2015. Collection method: clinical testing. Allele origin: germline.

Labcorp Genetics (formerly Invitae), Labcorp
Classification: Pathogenic for PMM2-congenital disorder of glycosylation. Last evaluated: 2024-02-01. Review status: criteria provided, single submitter. Criteria: Invitae Variant Classification Sherloc (09022015). Collection method: clinical testing. Allele origin: germline.
Comment: This sequence change creates a premature translational stop signal (p.Leu82Valfs*2) in the PMM2 gene. It is expected to result in an absent or disrupted protein product. Loss-of-function variants in PMM2 are known to be pathogenic (PMID: 19862844). This variant is not present in population databases (gnomAD no frequency). This premature translational stop signal has been observed in individual(s) with congenital glycosylationdisorders (PMID: 31727010). This variant is also known as c.241-242del. Algorithms developed to predict the effect of sequence changes on RNA splicing suggest that this variant may disrupt the consensus splice site. For these reasons, this variant has been classified as Pathogenic.

Baylor Genetics
Classification: Pathogenic for PMM2-congenital disorder of glycosylation. Last evaluated: 2023-08-20. Review status: criteria provided, single submitter. Criteria: ACMG Guidelines, 2015. Collection method: clinical testing. Allele origin: unknown.

Literature cited by the submitters: PubMed 31727010 (cited by Natera, Inc. and Labcorp Genetics (formerly Invitae), Labcorp); PubMed 19862844 (cited by Labcorp Genetics (formerly Invitae), Labcorp).

NM_000303.3(PMM2):c.243_244del (p.Leu82fs)

Gene: PMM2 (phosphomannomutase 2; plus strand). Cytogenetic location: 16p13.2.
Variant type: Microsatellite.
Coding change: c.243_244del on transcript NM_000303.3 (MANE Select); coding-DNA positions 243 to 244, 2 bases deleted (CT; older notation c.243_244delCT).
Protein change: p.Leu82fs; shifts the reading frame from leucine 82.
Molecular consequence: frameshift variant.
Genome position (GRCh38, 1-based): chr16:8,804,831-8,804,832, CT deleted; deleting any 2 consecutive bases within chr16:8,804,829-8,804,832 gives the same sequence; the c. name uses the placement nearest the transcript's 3' end. VCF-style (leftmost placement, unchanged base first): chr16-8804828-ACT-A. GRCh37 (hg19) VCF-style: chr16-8898685-ACT-A.
Other names: c.243_244del (NM_000303.2); short protein forms L82fs.
Identifiers: ClinVar variation 1069079 (VCV001069079.12), dbSNP rs2060637616, ClinGen allele CA2206132340.
Genomic context (GRCh38, chr16:8,804,828, plus strand): 5'-GGTTGAAAAATACGATTATGTGTTTCCAGAAAATGGCTTGGTAGCATACAAAGATGGGAA[ACT>A]CTTGTGTAGACAGGTAGGTTCTTGAGTATCTGAATTACTATATACTATTAAAAGTGTTTT-3'